The following is an entry in ClinVar:

ClinVar aggregate classification (germline): Uncertain significance (1 of 4 stars; one submission).

Conditions:
Inborn genetic diseases. Identifiers: MedGen C0950123, MeSH D030342.

gnomAD v4.1: 3 of 1,610,528 alleles (0.00019%); highest among the groups gnomAD compares: Non-Finnish European, 0.00025%; no homozygotes.

Submission:

Ambry Genetics
Classification: Uncertain significance for Inborn genetic diseases. Last evaluated: 2025-07-15. Review status: criteria provided, single submitter. Criteria: Ambry Variant Classification Scheme 2023. Collection method: clinical testing. Allele origin: germline.
Comment: The p.R6Q variant (also known as c.17G>A), located in coding exon 1 of the ELANE gene, results from a G to A substitution at nucleotide position 17. The arginine at codon 6 is replaced by glutamine, an amino acid with highly similar properties. This amino acid position is conserved. In addition, this alteration is predicted to be tolerated by in silico analysis. Based on the available evidence, the clinical significance of this variant remains unclear.

NM_001972.4(ELANE):c.17G>A (p.Arg6Gln)

Gene: ELANE (elastase, neutrophil expressed; plus strand). Cytogenetic location: 19p13.3.
Variant type: single nucleotide variant.
Coding change: c.17G>A on transcript NM_001972.4 (MANE Select); coding-DNA position 17, G replaced by A.
Protein change: p.Arg6Gln; replaces arginine 6 with glutamine.
Molecular consequence: missense variant.
Genome position (GRCh38, 1-based): chr19:852,345, G>A. VCF-style: chr19-852345-G-A. GRCh37 (hg19) VCF-style: chr19-852345-G-A.
Other names: short protein forms R6Q.
Identifiers: ClinVar variation 4248067 (VCV004248067.1).